The following is an entry in ClinVar:

NM_007294.4(BRCA1):c.1509G>T (p.Lys503Asn)

Gene: BRCA1 (BRCA1 DNA repair associated; minus strand). Cytogenetic location: 17q21.31.
Variant type: single nucleotide variant.
Coding change: c.1509G>T on transcript NM_007294.4 (MANE Select); coding-DNA position 1509, G replaced by T.
Protein change: p.Lys503Asn; replaces lysine 503 with asparagine.
Molecular consequence: missense variant. On other transcripts: intron variant (137).
Genome position (GRCh38, 1-based): chr17:43,094,022, C>A on the plus strand (G>T on the coding strand, the complement: BRCA1 is on the minus strand). VCF-style: chr17-43094022-C-A. GRCh37 (hg19) VCF-style: chr17-41246039-C-A.
Other names: c.784+722G>T (NM_001408401.1, NM_001408396.1, NM_001407985.1 and 13 more transcripts); c.548-2990G>T (NM_001408494.1); c.664+722G>T (NM_001408444.1, NM_001408438.1, NM_001408430.1 and 12 more transcripts); c.670+1824G>T (NM_001408423.1, NM_001408420.1, NM_001408419.1 and 2 more transcripts); c.787+722G>T (NM_001408404.1, NM_001408472.1, NM_001407990.1 and 19 more transcripts); c.577+722G>T (NM_001408492.1, NM_001408513.1, NM_001408489.1 and 9 more transcripts); c.643+722G>T (NM_001408468.1, NM_001408465.1, NM_001408463.1 and 3 more transcripts); c.523+722G>T (NM_001408501.1, NM_001408500.1, NM_001408497.1 and 3 more transcripts); and 40 more; short protein forms K207N, K335N, K375N, K376N, K391N, K392N, K414N, K415N.
Identifiers: ClinVar variation 4856566 (VCV004856566.1).

ClinVar aggregate classification (germline): Likely benign (1 of 4 stars; one submission).

Conditions:
Breast-ovarian cancer, familial, susceptibility to, 1 (BROVCA1). Also called: OVARIAN CANCER, SUSCEPTIBILITY TO; BRCA1 Hereditary Breast and Ovarian Cancer. Identifiers: Orphanet 145, MedGen C2676676, MONDO:0011450, OMIM 604370. Disease mechanism: loss of function.

gnomAD v4.1: 1 of 1,613,888 alleles (0.000062%); highest among the groups gnomAD compares: Non-Finnish European, 0.000085%; no homozygotes.

Submission:

Cancer Bioinformatics and Tumour Evolution Laboratory, Monash University
Classification: Likely benign for Breast-ovarian cancer, familial, susceptibility to, 1. Last evaluated: 2026-05-01. Review status: criteria provided, single submitter. Criteria: ClinGen BRCA1 and BRCA2 Guidelines, 2024. Collection method: curation. Allele origin: germline. Inheritance: Autosomal dominant inheritance.
Comment: Missense variant outside of a functional domain with no splice impact. BRCA1 and BRCA2 VCEP guidelines recommend application of BP1_Strong (PMID: 39142283)